The following is an entry in ClinVar:

ClinVar aggregate classification (germline): Conflicting classifications of pathogenicity. Review status: criteria provided, conflicting classifications (1 of 4 stars). 11 submissions from 7 submitters: Uncertain significance (9); Benign (1); Likely benign (1). Last evaluated 2025-12-10.

Conditions:
Cardiovascular phenotype. Identifiers: MedGen CN230736.
Hereditary cancer-predisposing syndrome. Also called: Tumor predisposition; Neoplastic Syndromes, Hereditary; Hereditary neoplastic syndrome; Hereditary Cancer Syndrome. Identifiers: Orphanet 140162, MedGen C0027672, MeSH D009386, MONDO:0015356.
NF1-related disorder. Also called: NF1-related condition. Identifiers: MedGen CN379171.
Neurofibromatosis, familial spinal (FSNF). Identifiers: Orphanet 636, MedGen C1834235, MONDO:0008078, OMIM 162210. Disease mechanism: loss of function.
Juvenile myelomonocytic leukemia (JMML). Also called: LEUKEMIA, JUVENILE MYELOMONOCYTIC, SOMATIC. Identifiers: Orphanet 86834, MedGen C0349639, MONDO:0011908, OMIM 607785, HP:0012209.
Neurofibromatosis-Noonan syndrome (NFNS). Also called: NEUROFIBROMATOSIS WITH NOONAN PHENOTYPE. Identifiers: Orphanet 638, MedGen C2931482, MONDO:0011035, OMIM 601321. Disease mechanism: loss of function.
Neurofibromatosis, type 1 (NF1). Also called: NEUROFIBROMATOSIS, TYPE I, SOMATIC; VON RECKLINGHAUSEN DISEASE; Peripheral type neurofibromatosis; Neurofibromatosis, type I. Identifiers: Orphanet 636, MedGen C0027831, MONDO:0018975, OMIM 162200. Disease mechanism: loss of function.
Café-au-lait macules with pulmonary stenosis (WTSN). Also called: PULMONIC STENOSIS WITH CAFE-AU-LAIT SPOTS. Identifiers: MedGen C0553586, MONDO:0008672, OMIM 193520.

gnomAD v4.1: 1 of 1,613,876 alleles (0.000062%); no homozygotes.

Submissions (11):

Labcorp Genetics (formerly Invitae), Labcorp
Classification: Benign for Neurofibromatosis, type 1. Last evaluated: 2025-12-10. Review status: criteria provided, single submitter. Criteria: Invitae Variant Classification Sherloc (09022015). Collection method: clinical testing. Allele origin: germline.

PreventionGenetics, part of Exact Sciences
Classification: Uncertain significance for NF1-related condition. Last evaluated: 2025-05-21. Review status: criteria provided, single submitter. Criteria: ACMG Guidelines, 2015. Collection method: clinical testing. Allele origin: germline.
Comment: The NF1 c.7767G>C variant is predicted to result in the amino acid substitution p.Gln2589His. This variant is also known as c.7704G>C (p.Gln2568His) on the alternative transcript NM_000267.3. To our knowledge, this variant has not been reported in the literature or in a large population database (gnomAD), indicating this variant is rare. This variant has an interpretation of uncertain significance by the majority of submitters in ClinVar. At this time, the clinical significance of this variant is uncertain due to the absence of conclusive functional and genetic evidence.

Ambry Genetics
Classification: Likely benign for Cardiovascular phenotype; Hereditary cancer-predisposing syndrome. Last evaluated: 2025-03-02. Review status: criteria provided, single submitter. Criteria: Ambry Variant Classification Scheme 2023. Collection method: clinical testing. Allele origin: germline.

GeneDx
Classification: Uncertain significance. Last evaluated: 2024-07-30. Review status: criteria provided, single submitter. Criteria: GeneDx Variant Classification Process June 2021. Collection method: clinical testing. Allele origin: germline. Affected: yes.
Comment: Not observed at significant frequency in large population cohorts (gnomAD); In silico analysis indicates that this missense variant does not alter protein structure/function; Has not been previously published as pathogenic or benign to our knowledge; This variant is associated with the following publications: (PMID: 25486365)

Baylor Genetics
Classification: Uncertain significance for Juvenile myelomonocytic leukemia. Last evaluated: 2023-07-13. Review status: criteria provided, single submitter. Criteria: ACMG Guidelines, 2015. Collection method: clinical testing. Allele origin: unknown.

Genome-Nilou Lab
Classification: Uncertain significance for Neurofibromatosis, type 1. Last evaluated: 2022-03-15. Review status: criteria provided, single submitter. Criteria: ACMG Guidelines, 2015. Collection method: clinical testing. Allele origin: germline. Affected: no.

Illumina Laboratory Services, Illumina
Classification: Uncertain significance for Neurofibromatosis, familial spinal. Last evaluated: 2018-01-12. Review status: criteria provided, single submitter. Criteria: ICSL Variant Classification Criteria 13 December 2019. Collection method: clinical testing. Allele origin: germline.

Illumina Laboratory Services, Illumina
Classification: Uncertain significance for Neurofibromatosis, type 1. Last evaluated: 2018-01-12. Review status: criteria provided, single submitter. Criteria: ICSL Variant Classification Criteria 13 December 2019. Collection method: clinical testing. Allele origin: germline.

Illumina Laboratory Services, Illumina
Classification: Uncertain significance for Neurofibromatosis-Noonan syndrome. Last evaluated: 2018-01-12. Review status: criteria provided, single submitter. Criteria: ICSL Variant Classification Criteria 13 December 2019. Collection method: clinical testing. Allele origin: germline.

Illumina Laboratory Services, Illumina
Classification: Uncertain significance for Café-au-lait macules with pulmonary stenosis. Last evaluated: 2018-01-12. Review status: criteria provided, single submitter. Criteria: ICSL Variant Classification Criteria 13 December 2019. Collection method: clinical testing. Allele origin: germline.

Ambry Genetics
Classification: Uncertain significance for Hereditary cancer-predisposing syndrome. Last evaluated: 2014-04-21. Review status: criteria provided, single submitter. Criteria: Ambry Autosomal Dominant and X-Linked criteria (10/2015). Collection method: clinical testing. Allele origin: germline. Observed: 1 variant allele.
Comment: The p.Q2589H variant (also known as c.7767G>C), located in coding exon 53 of the NF1 gene, results from a G to C substitution at nucleotide position 7767. The glutamine at codon 2589 is replaced by histidine, an amino acid with highly similar properties. This variant was not reported in population based cohorts in the following databases: Database of Single Nucleotide Polymorphisms (dbSNP), NHLBI Exome Sequencing Project (ESP), and 1000 Genomes Project.To date, this alteration has been detected with an allele frequency of approximately 0.02% (greater than 5000 alleles tested) in our clinical cohort (includes this individual). Based on protein sequence alignment, this amino acid position is highly conserved in available vertebrate species. In addition, this alteration is predicted to be benign but deleterious by PolyPhen and SIFT in silico analyses, respectively.Since supporting evidence is limited at this time, the clinical significance of this variant remains unclear.

NM_001042492.3(NF1):c.7767G>C (p.Gln2589His)

Gene: NF1 (neurofibromin 1; plus strand). Cytogenetic location: 17q11.2.
Variant type: single nucleotide variant.
Coding change: c.7767G>C on transcript NM_001042492.3 (MANE Select); coding-DNA position 7767, G replaced by C.
Protein change: p.Gln2589His; replaces glutamine 2589 with histidine.
Molecular consequence: missense variant.
Genome position (GRCh38, 1-based): chr17:31,356,988, G>C. VCF-style: chr17-31356988-G-C. GRCh37 (hg19) VCF-style: chr17-29684006-G-C.
Other names: c.7704G>C, p.Gln2568His (NM_000267.4); short protein forms Q2568H, Q2589H.
Identifiers: ClinVar variation 141997 (VCV000141997.20), dbSNP rs587782168, ClinGen allele CA167065.
Genomic context (GRCh38, chr17:31,356,988, plus strand): 5'-TTTGATCACGTTAATTCCCTATCTTGCTGCAGAAACTCAGAGGATTTCCTCATCACAACA[G>C]CACCCACATTTACGTAAAGTTTCAGTGTCTGAATCAAATGTTCTCTTGGATGAAGAAGTA-3'
Protein context (NP_001035957.1, residues 2579-2599): METQRISSSQ[Gln2589His]HPHLRKVSVS